The following is an entry in ClinVar:

NM_000878.5(IL2RB):c.1039G>A (p.Ala347Thr)

Gene: IL2RB (interleukin 2 receptor subunit beta; minus strand). Cytogenetic location: 22q12.3.
Variant type: single nucleotide variant.
Coding change: c.1039G>A on transcript NM_000878.5 (MANE Select); coding-DNA position 1039, G replaced by A.
Protein change: p.Ala347Thr; replaces alanine 347 with threonine.
Molecular consequence: missense variant.
Genome position (GRCh38, 1-based): chr22:37,128,713, C>T on the plus strand (G>A on the coding strand, the complement: IL2RB is on the minus strand). VCF-style: chr22-37128713-C-T. GRCh37 (hg19) VCF-style: chr22-37524753-C-T.
Other names: c.1039G>A, p.Ala347Thr (NM_001346222.1, NM_001346223.2); short protein forms A347T.
Identifiers: ClinVar variation 1912124 (VCV001912124.2), dbSNP rs532394331, ClinGen allele CA10216434.
Genomic context (GRCh38, chr22:37,128,713, plus strand): 5'-AGAAGAAGTAACCCTGGTTGGTGAAGCAGCTGGTCAGCGAGTGGTTGCTGCTTAAGGATG[C>T]GGGCTCAGGCACCTTGTCCTGCTGCAGGAGCAGCTGCGTCACCTTGTCCCTCTCCAGCAC-3'
Protein context (NP_000869.1, residues 337-357): LLQQDKVPEP[Ala347Thr]SLSSNHSLTS

ClinVar aggregate classification (germline): Uncertain significance (1 of 4 stars; one submission).

Allele frequency attached by ClinVar (database versions not stated): ExAC 0.00001; TOPMed 0.00001; 1000 Genomes Project 30x 0.00016; 1000 Genomes Project 0.00020.

Submission:

Labcorp Genetics (formerly Invitae), Labcorp
Classification: Uncertain significance. Last evaluated: 2022-05-28. Review status: criteria provided, single submitter. Criteria: Invitae Variant Classification Sherloc (09022015). Collection method: clinical testing. Allele origin: germline.
Comment: This sequence change replaces alanine, which is neutral and non-polar, with threonine, which is neutral and polar, at codon 347 of the IL2RB protein (p.Ala347Thr). The frequency data for this variant in the population databases is considered unreliable, as metrics indicate poor data quality at this position in the gnomAD database. This variant has not been reported in the literature in individuals affected with IL2RB-related conditions. Algorithms developed to predict the effect of missense changes on protein structure and function output the following: SIFT: "Tolerated"; PolyPhen-2: "Benign"; Align-GVGD: "Class C0". The threonine amino acid residue is found in multiple mammalian species, which suggests that this missense change does not adversely affect protein function. In summary, the available evidence is currently insufficient to determine the role of this variant in disease. Therefore, it has been classified as a Variant of Uncertain Significance.